The following is an entry in ClinVar:

NR_046473.1(MEG3):n.8133T>C

Gene: MEG3 (maternally expressed 3; plus strand). Cytogenetic location: 14q32.2.
Variant type: single nucleotide variant.
Molecular consequence: non-coding transcript variant (on NR_046473.1).
Genome position: GRCh38 VCF-style: chr14-100852749-T-C. GRCh37 (hg19) VCF-style: chr14-101319086-T-C.
Identifiers: ClinVar variation 3044961 (VCV003044961.2), dbSNP rs117877041, ClinGen allele CA266871697.
Genomic context (GRCh38, chr14:100,852,749, plus strand): 5'-AAAGTCAGCAGAGGCTCAGGAAGACTTAAAGTGTGCAGAAGGCGGGGAAGGGAGGGCCCA[T>C]TGCATGCACCAAGAGGAAATTGGAAGGAACAAGCGACGTTGGCTGCTAGGAGAGCCTGCT-3'

ClinVar aggregate classification (germline): Benign (0 of 4 stars; one submission).

Conditions:
MEG3-related disorder. Also called: MEG3-related condition.

Allele frequency attached by ClinVar (database versions not stated): gnomAD 0.00445; TOPMed 0.00907; 1000 Genomes Project 0.00938; 1000 Genomes Project 30x 0.00968.
gnomAD v4.1: 1,051 of 229,064 alleles (0.46%); highest among the groups gnomAD compares: Admixed American, 3.9%; 38 homozygotes.

Submission:

PreventionGenetics, part of Exact Sciences
Classification: Benign for MEG3-related condition. Last evaluated: 2019-09-06. Review status: no assertion criteria provided. Collection method: clinical testing. Allele origin: germline.
Comment: This variant is classified as benign based on ACMG/AMP sequence variant interpretation guidelines (Richards et al. 2015 PMID: 25741868, with internal and published modifications).